The following is an entry in ClinVar:

ClinVar aggregate classification (germline): other (0 of 4 stars; one submission).

Conditions:
Familial colorectal cancer. Identifiers: MedGen CN280943, MONDO:0023113. Disease mechanism: loss of function.

Submission:

Systems Biology Platform Zhejiang California International NanoSystems Institute
Classification: other for Familial colorectal cancer. Review status: no assertion criteria provided. Collection method: not provided. Allele origin: unknown.
ClinVar note: Converted during submission from cancer to other.

NM_000038.6(APC):c.-19+1718A>G

Gene: APC (APC regulator of WNT signaling pathway; plus strand). Cytogenetic location: 5q22.2.
Variant type: single nucleotide variant.
Coding change: c.-19+1718A>G on transcript NM_000038.6 (MANE Select); 1718 bases into the intron after 19 bases upstream of the start codon, A replaced by G.
Molecular consequence: intron variant.
Genome position (GRCh38, 1-based): chr5:112,739,643, A>G. VCF-style: chr5-112739643-A-G. GRCh37 (hg19) VCF-style: chr5-112075340-A-G.
Other names: c.-18-15230A>G (NM_001354895.2); c.166-26683A>G (NM_001354897.2, NM_001354902.2, NM_001127511.3); c.-19+1183A>G (NM_001127510.3); c.60+1183A>G (NM_001354898.2, NM_001354904.2); c.-1054+1718A>G (NM_001354906.2); c.-19+1718A>G (NM_001354896.2, NM_001354903.2, NM_001354899.2); c.-43+1718A>G (NM_001354900.2, NM_001354901.2, NM_001354905.2).
Identifiers: ClinVar variation 82751 (VCV000082751.2), dbSNP rs78907369, ClinGen allele CA006364.